The following is an entry in ClinVar:

ClinVar aggregate classification (germline): Pathogenic (1 of 4 stars; one submission).

Conditions:
Duchenne muscular dystrophy (DMD). Also called: MUSCULAR DYSTROPHY, PSEUDOHYPERTROPHIC PROGRESSIVE, DUCHENNE TYPE; Duchenne Muscular Dystrophy (DMD). Identifiers: Orphanet 98896, MedGen C0013264, MONDO:0010679, OMIM 310200.

Submission:

Labcorp Genetics (formerly Invitae), Labcorp
Classification: Pathogenic for Duchenne muscular dystrophy. Last evaluated: 2023-06-20. Review status: criteria provided, single submitter. Criteria: Invitae Variant Classification Sherloc (09022015). Collection method: clinical testing. Allele origin: unknown.
Comment: For these reasons, this variant has been classified as Pathogenic. The region of the DMD gene that includes exon(s) preceding the translational initiation site in exon 6 has been determined to be clinically significant (PMID: 2063877, 9028449, 11524473, 15528988, 21515508, 21550932, 31404137, 31705731). Therefore, deletions that encompass that region are likely to be disease-causing. A similar copy number variant has been observed in individual(s) with clinical features of DMD-related conditions (PMID: 25108525, 31404137, 33101180). This variant is a gross deletion of the genomic region encompassing exon(s) 2 of the DMD gene. This deletion is out-of-frame, however experimental studies have shown that deletion of exon 2 possibly leads to translational initiation by a downstream methionine in exon 6 that results in a truncated but functional protein (PMID: 25108525).

Literature cited by the submitters: PubMed 2063877; PubMed 9028449; PubMed 11524473; PubMed 15528988; PubMed 21515508; PubMed 21550932; PubMed 31404137; PubMed 31705731; PubMed 25108525; PubMed 33101180.

NC_000023.10:g.(?_33032666)_(33038337_?)del

Gene: DMD (dystrophin; minus strand). Cytogenetic location: Xp21.1.
Variant type: Deletion.
Identifiers: ClinVar variation 3242612 (VCV003242612.1).